The following is an entry in ClinVar:

ClinVar aggregate classification (germline): Uncertain significance. Review status: criteria provided, multiple submitters, no conflicts (2 of 4 stars). 2 submissions from 2 submitters: Uncertain significance (2). Last evaluated 2025-11-11.

Conditions:
Familial cold autoinflammatory syndrome 3 (FCAS3). Also called: FAMILIAL ATYPICAL COLD URTICARIA; ANTIBODY DEFICIENCY AND IMMUNE DYSREGULATION, PLCG2-ASSOCIATED. Identifiers: Orphanet 300359, MedGen C3280914, MONDO:0013766, OMIM 614468.

Allele frequency attached by ClinVar (database versions not stated): ExAC 0.00001; gnomAD 0.00001; gnomAD exomes 0.00002; TOPMed 0.00003.
gnomAD v4.1: 60 of 1,613,984 alleles (0.0037%); highest among the groups gnomAD compares: Non-Finnish European, 0.0036%; no homozygotes.

Submissions (2):

Labcorp Genetics (formerly Invitae), Labcorp
Classification: Uncertain significance for Familial cold autoinflammatory syndrome 3. Last evaluated: 2025-11-11. Review status: criteria provided, single submitter. Criteria: Invitae Variant Classification Sherloc (09022015). Collection method: clinical testing. Allele origin: germline.
Comment: This sequence change replaces arginine, which is basic and polar, with cysteine, which is neutral and slightly polar, at codon 956 of the PLCG2 protein (p.Arg956Cys). This variant is present in population databases (rs759995209, gnomAD 0.004%). This missense change has been observed in individual(s) with clinical features of PLCG2-related conditions (PMID: 32047491, 37769878). ClinVar contains an entry for this variant (Variation ID: 1009418). An algorithm developed to predict the effect of missense changes on protein structure and function (PolyPhen-2) suggests that this variant is likely to be disruptive. Experimental studies are conflicting or provide insufficient evidence to determine the effect of this variant on PLCG2 function (PMID: 37769878). In summary, the available evidence is currently insufficient to determine the role of this variant in disease. Therefore, it has been classified as a Variant of Uncertain Significance.

CeGaT Center for Human Genetics Tuebingen
Classification: Uncertain significance. Last evaluated: 2022-08-01. Review status: criteria provided, single submitter. Criteria: CeGaT Center For Human Genetics Tuebingen Variant Classification Criteria Version 2. Collection method: clinical testing. Allele origin: germline. Affected: yes. Observed: 1 variant allele.
Comment: PLCG2: PM1

Literature cited by the submitters: PubMed 32047491 (cited by Labcorp Genetics (formerly Invitae), Labcorp); PubMed 37769878 (cited by Labcorp Genetics (formerly Invitae), Labcorp).

NM_002661.5(PLCG2):c.2866C>T (p.Arg956Cys)

Gene: PLCG2 (phospholipase C gamma 2; plus strand). Cytogenetic location: 16q23.3.
Variant type: single nucleotide variant.
Coding change: c.2866C>T on transcript NM_002661.5 (MANE Select); coding-DNA position 2866, C replaced by T.
Protein change: p.Arg956Cys; replaces arginine 956 with cysteine.
Molecular consequence: missense variant.
Genome position (GRCh38, 1-based): chr16:81,936,192, C>T. VCF-style: chr16-81936192-C-T. GRCh37 (hg19) VCF-style: chr16-81969797-C-T.
Other names: short protein forms R956C.
Identifiers: ClinVar variation 1009418 (VCV001009418.38), dbSNP rs759995209, ClinGen allele CA8194461.
Genomic context (GRCh38, chr16:81,936,192, plus strand): 5'-ACACAGAAGTACTGATGACCTTTTTCTCTGTGTGCAGAAAATCCTGACTTCCGAGAAATC[C>T]GCTCCTTTGTGGAGACGAAGGCTGACAGCATCATCAGACAGAAGCCCGTCGACCTCCTGA-3'
Protein context (NP_002652.2, residues 946-966): NLENPDFREI[Arg956Cys]SFVETKADSI